The following is an entry in ClinVar:

NM_015443.4(KANSL1):c.2446C>T (p.His816Tyr)

Gene: KANSL1 (KAT8 regulatory NSL complex subunit 1). Cytogenetic location: 17q21.31.
Variant type: single nucleotide variant.
Coding change: c.2446C>T on transcript NM_015443.4 (MANE Select); coding-DNA position 2446, C replaced by T.
Protein change: p.His816Tyr; replaces histidine 816 with tyrosine.
Molecular consequence: missense variant.
Genome position (GRCh38, 1-based): chr17:46,038,633, G>A on the plus strand (C>T on the coding strand, the complement: KANSL1 is on the minus strand). VCF-style: chr17-46038633-G-A. GRCh37 (hg19) VCF-style: chr17-44115999-G-A.
Other names: c.2446C>T, p.His816Tyr (NM_001193465.2, NM_001193466.2, NM_001379198.1); short protein forms H816Y.
Identifiers: ClinVar variation 1017695 (VCV001017695.8), dbSNP rs1385276351, ClinGen allele CA399980434.

ClinVar aggregate classification (germline): Uncertain significance (1 of 4 stars; one submission).

Conditions:
Koolen-de Vries syndrome (KDVS). Identifiers: Orphanet 96169, MedGen C1864871, MONDO:0012496, OMIM 610443.

Allele frequency attached by ClinVar (database versions not stated): gnomAD exomes below 0.00001; TOPMed below 0.00001.
gnomAD v4.1: 7 of 1,614,182 alleles (0.00043%); highest among the groups gnomAD compares: Non-Finnish European, 0.00059%; no homozygotes.

Submission:

Labcorp Genetics (formerly Invitae), Labcorp
Classification: Uncertain significance for Koolen-de Vries syndrome. Last evaluated: 2022-11-29. Review status: criteria provided, single submitter. Criteria: Invitae Variant Classification Sherloc (09022015). Collection method: clinical testing. Allele origin: germline.
Comment: Advanced modeling of protein sequence and biophysical properties (such as structural, functional, and spatial information, amino acid conservation, physicochemical variation, residue mobility, and thermodynamic stability) performed at Invitae indicates that this missense variant is not expected to disrupt KANSL1 protein function. In summary, the available evidence is currently insufficient to determine the role of this variant in disease. Therefore, it has been classified as a Variant of Uncertain Significance. ClinVar contains an entry for this variant (Variation ID: 1017695). This sequence change replaces histidine, which is basic and polar, with tyrosine, which is neutral and polar, at codon 816 of the KANSL1 protein (p.His816Tyr). This variant is present in population databases (no rsID available, gnomAD 0.0009%). This variant has not been reported in the literature in individuals affected with KANSL1-related conditions.